The following is an entry in ClinVar:

NM_003321.5(TUFM):c.100C>G (p.Leu34Val)

Gene: TUFM (Tu translation elongation factor, mitochondrial; minus strand). Cytogenetic location: 16p11.2.
Variant type: single nucleotide variant.
Coding change: c.100C>G on transcript NM_003321.5 (MANE Select); coding-DNA position 100, C replaced by G.
Protein change: p.Leu34Val; replaces leucine 34 with valine.
Molecular consequence: missense variant.
Genome position (GRCh38, 1-based): chr16:28,846,059, G>C on the plus strand (C>G on the coding strand, the complement: TUFM is on the minus strand). VCF-style: chr16-28846059-G-C. GRCh37 (hg19) VCF-style: chr16-28857380-G-C.
Other names: NC_000016.9:g.28857380G>C; c.100C>G, p.Leu34Val (NM_001365360.2); short protein forms L34V.
Identifiers: ClinVar variation 1031324 (VCV001031324.2), dbSNP rs760020885, ClinGen allele CA7985745.
Genomic context (GRCh38, chr16:28,846,059, plus strand): 5'-AAGTCTTCTTGGCCTCCACGGCCAGGCCGCGGCACAAGAGAGGCAATGCCGGGGCTTTCA[G>C]CAGCCGCAACAGACCCTGCAGCAGGAAGGTCCGGCCGGCGGCGAGACCTGCCGGGACCGA-3'
Protein context (NP_003312.3, residues 24-44): TFLLQGLLRL[Leu34Val]KAPALPLLCR

ClinVar aggregate classification (germline): Uncertain significance (1 of 4 stars; one submission).

Conditions:
Combined oxidative phosphorylation defect type 4. Identifiers: Orphanet 254925, MedGen C1857682, MONDO:0012534, OMIM 610678.

Allele frequency attached by ClinVar (database versions not stated): gnomAD 0.00001; ExAC 0.00031.

Submissions (2):

Baylor Genetics
Classification: Uncertain significance for Combined oxidative phosphorylation defect type 4. Last evaluated: 2018-07-20. Review status: criteria provided, single submitter. Criteria: ACMG Guidelines, 2015. Collection method: clinical testing. Allele origin: unknown. Affected: yes.
Comment: This variant was determined to be of uncertain significance according to ACMG Guidelines, 2015 [PMID:25741868].

Dr. Peter K. Rogan Lab, Western University
No classification provided (evidence only). Condition: Thyroid cancer, nonmedullary, 1. Review status: no classification provided. Collection method: in vitro. Allele origin: not applicable. Functional consequence: retained intron. Not counted in ClinVar's aggregate classification.